The following is an entry in ClinVar:

NM_001283009.2(RTEL1):c.2575_2576del (p.Leu859fs)

Genes: RTEL1 (regulator of telomere elongation helicase 1; plus strand), RTEL1-TNFRSF6B (RTEL1-TNFRSF6B readthrough (NMD candidate); plus strand). Cytogenetic location: 20q13.33.
Variant type: Deletion.
Coding change: c.2575_2576del on transcript NM_001283009.2 (MANE Select); coding-DNA positions 2575 to 2576, 2 bases deleted (CT; older notation c.2575_2576delCT).
Protein change: p.Leu859fs; shifts the reading frame from leucine 859.
Molecular consequence: frameshift variant. On other transcripts: non-coding transcript variant (1).
Genome position (GRCh38, 1-based): chr20:63,691,760-63,691,761, CT deleted. VCF-style (leftmost placement, unchanged base first): chr20-63691759-CCT-C. GRCh37 (hg19) VCF-style: chr20-62323112-CCT-C.
Other names: c.1906_1907del, p.Leu636fs (NM_001283010.1); c.2575_2576del, p.Leu859fs (NM_016434.4); c.2647_2648del, p.Leu883fs (NM_032957.5); short protein forms L883fs, L636fs, L859fs.
Identifiers: ClinVar variation 2950170 (VCV002950170.3), dbSNP rs2517155046, ClinGen allele CA2740094680.
Genomic context (GRCh38, chr20:63,691,759, plus strand): 5'-GTGGTTGGGGTCTGTGTGTGGTTGTGAGCTGTGTCCTCCTCAGGCCCACAGCTGCTCCAC[CCT>C]GTCCCTCCTGTCTGAGAAGAGGCCGGCAGAAGAACCGCGAGGAGGGAGGAAGAAGATCCG-3'

ClinVar aggregate classification (germline): Pathogenic (1 of 4 stars; one submission).

Conditions:
Dyskeratosis congenita, autosomal recessive 5 (DKCB5). Identifiers: MedGen C3554656, MONDO:0014076, OMIM 615190.
Pulmonary fibrosis and/or bone marrow failure, Telomere-related, 3. Also called: PULMONARY FIBROSIS AND/OR BONE MARROW FAILURE SYNDROME, TELOMERE-RELATED, 3. Identifiers: Orphanet 2032, MedGen C4225346, MONDO:0014613, OMIM 616373.

Submission:

Labcorp Genetics (formerly Invitae), Labcorp
Classification: Pathogenic for Dyskeratosis congenita, autosomal recessive 5; Pulmonary fibrosis and/or bone marrow failure, Telomere-related, 3. Last evaluated: 2023-07-21. Review status: criteria provided, single submitter. Criteria: Invitae Variant Classification Sherloc (09022015). Collection method: clinical testing. Allele origin: germline.
Comment: For these reasons, this variant has been classified as Pathogenic. Algorithms developed to predict the effect of sequence changes on RNA splicing suggest that this variant may disrupt the consensus splice site. This variant has not been reported in the literature in individuals affected with RTEL1-related conditions. This variant is not present in population databases (gnomAD no frequency). This sequence change creates a premature translational stop signal (p.Leu859Valfs*5) in the RTEL1 gene. It is expected to result in an absent or disrupted protein product. Loss-of-function variants in RTEL1 are known to be pathogenic (PMID: 23453664, 23959892, 25607374).

Literature cited by the submitters: PubMed 23453664; PubMed 23959892; PubMed 25607374.